The following is an entry in ClinVar:

ClinVar aggregate classification (germline): Uncertain significance (1 of 4 stars; one submission).

Submission:

Labcorp Genetics (formerly Invitae), Labcorp
Classification: Uncertain significance. Last evaluated: 2022-04-01. Review status: criteria provided, single submitter. Criteria: Invitae Variant Classification Sherloc (09022015). Collection method: clinical testing. Allele origin: germline.
Comment: This variant is not present in population databases (gnomAD no frequency). This sequence change replaces cysteine, which is neutral and slightly polar, with arginine, which is basic and polar, at codon 582 of the DUOX2 protein (p.Cys582Arg). This variant has not been reported in the literature in individuals affected with DUOX2-related conditions. Advanced modeling of protein sequence and biophysical properties (such as structural, functional, and spatial information, amino acid conservation, physicochemical variation, residue mobility, and thermodynamic stability) performed at Invitae indicates that this missense variant is expected to disrupt DUOX2 protein function. In summary, the available evidence is currently insufficient to determine the role of this variant in disease. Therefore, it has been classified as a Variant of Uncertain Significance.

NM_001363711.2(DUOX2):c.1744T>C (p.Cys582Arg)

Gene: DUOX2 (dual oxidase 2; minus strand). Cytogenetic location: 15q21.1.
Variant type: single nucleotide variant.
Coding change: c.1744T>C on transcript NM_001363711.2 (MANE Select); coding-DNA position 1744, T replaced by C.
Protein change: p.Cys582Arg; replaces cysteine 582 with arginine.
Molecular consequence: missense variant.
Genome position (GRCh38, 1-based): chr15:45,106,919, A>G on the plus strand (T>C on the coding strand, the complement: DUOX2 is on the minus strand). VCF-style: chr15-45106919-A-G. GRCh37 (hg19) VCF-style: chr15-45399117-A-G.
Other names: c.1744T>C, p.Cys582Arg (NM_014080.5); short protein forms C582R.
Identifiers: ClinVar variation 1926578 (VCV001926578.5), dbSNP rs2504768874, ClinGen allele CA392274359.